The following is an entry in ClinVar:

ClinVar aggregate classification (germline): Uncertain significance (1 of 4 stars; one submission).

Allele frequency attached by ClinVar (database versions not stated): TOPMed 0.00001.

Submission:

Ambry Genetics
Classification: Uncertain significance. Last evaluated: 2021-11-17. Review status: criteria provided, single submitter. Criteria: Ambry Variant Classification Scheme 2023. Collection method: clinical testing. Allele origin: germline.
Comment: The p.D250N variant (also known as c.748G>A), located in coding exon 1 of the EGLN1 gene, results from a G to A substitution at nucleotide position 748. The aspartic acid at codon 250 is replaced by asparagine, an amino acid with highly similar properties. This amino acid position is highly conserved in available vertebrate species. In addition, this alteration is predicted to be tolerated by in silico analysis. Since supporting evidence is limited at this time, the clinical significance of this alteration remains unclear.

NM_022051.3(EGLN1):c.748G>A (p.Asp250Asn)

Gene: EGLN1 (egl-9 family hypoxia inducible factor 1; minus strand). Cytogenetic location: 1q42.2.
Variant type: single nucleotide variant.
Coding change: c.748G>A on transcript NM_022051.3 (MANE Select); coding-DNA position 748, G replaced by A.
Protein change: p.Asp250Asn; replaces aspartic acid 250 with asparagine.
Molecular consequence: missense variant.
Genome position (GRCh38, 1-based): chr1:231,421,141, C>T on the plus strand (G>A on the coding strand, the complement: EGLN1 is on the minus strand). VCF-style: chr1-231421141-C-T. GRCh37 (hg19) VCF-style: chr1-231556887-C-T.
Other names: c.748G>A, p.Asp250Asn (NM_001377260.1, NM_001377261.1); short protein forms D250N.
Identifiers: ClinVar variation 1759148 (VCV001759148.2), dbSNP rs1028389685, ClinGen allele CA38948424.